The following is an entry in ClinVar:

ClinVar aggregate classification (germline): Conflicting classifications of pathogenicity. Review status: criteria provided, conflicting classifications (1 of 4 stars). 4 submissions from 4 submitters: Uncertain significance (2); Likely benign (1). 1 of the submissions does not count toward it. Last evaluated 2025-01-21.

Conditions:
Ehlers-Danlos syndrome, classic type, 1 (EDSCL1). Also called: EHLERS-DANLOS SYNDROME, GRAVIS TYPE; EHLERS-DANLOS SYNDROME, SEVERE CLASSIC TYPE; EDS I; Ehlers-Danlos Syndrome, Classic Type, COL5A1-Related; Ehlers-Danlos syndrome, type 1. Identifiers: MedGen C0268335, MONDO:0019567, OMIM 130000.
Familial thoracic aortic aneurysm and aortic dissection (TAAD). Also called: Thoracic aortic aneurysms and dissections. Identifiers: Orphanet 91387, MedGen C4707243, MONDO:0019625.

Allele frequency attached by ClinVar (database versions not stated): gnomAD exomes 0.00002 and below 0.00001; ExAC 0.00002.
gnomAD v4.1: 6 of 1,613,026 alleles (0.00037%); highest among the groups gnomAD compares: Non-Finnish European, 0.00051%; no homozygotes.

Submissions (4):

Ambry Genetics
Classification: Uncertain significance for Familial thoracic aortic aneurysm and aortic dissection. Last evaluated: 2025-01-21. Review status: criteria provided, single submitter. Criteria: Ambry Variant Classification Scheme 2023. Collection method: clinical testing. Allele origin: germline.
Comment: The p.Q879K variant (also known as c.2635C>A), located in coding exon 31 of the COL5A1 gene, results from a C to A substitution at nucleotide position 2635. The glutamine at codon 879 is replaced by lysine, an amino acid with similar properties. This amino acid position is highly conserved in available vertebrate species. In addition, the in silico prediction for this alteration is inconclusive. Based on the available evidence, the clinical significance of this variant remains unclear.

Labcorp Genetics (formerly Invitae), Labcorp
Classification: Likely benign for Ehlers-Danlos syndrome, classic type, 1. Last evaluated: 2023-05-01. Review status: criteria provided, single submitter. Criteria: Invitae Variant Classification Sherloc (09022015). Collection method: clinical testing. Allele origin: germline.

ARUP Laboratories, Molecular Genetics and Genomics, ARUP Laboratories
Classification: Uncertain significance. Last evaluated: 2016-08-25. Review status: criteria provided, single submitter. Criteria: ARUP Molecular Germline Variant Investigation Process. Collection method: clinical testing. Allele origin: germline.

Zotz-Klimas Genetics Lab, MVZ Zotz Klimas
Classification: Uncertain significance for Ehlers-Danlos syndrome, classic type, 1. Last evaluated: 2023-11-24. Review status: no assertion criteria provided. Collection method: clinical testing. Allele origin: germline. Affected: yes. Not counted in ClinVar's aggregate classification.

NM_000093.5(COL5A1):c.2635C>A (p.Gln879Lys)

Gene: COL5A1 (collagen type V alpha 1 chain; plus strand). Cytogenetic location: 9q34.3.
Variant type: single nucleotide variant.
Coding change: c.2635C>A on transcript NM_000093.5 (MANE Select); coding-DNA position 2635, C replaced by A.
Protein change: p.Gln879Lys; replaces glutamine 879 with lysine.
Molecular consequence: missense variant.
Genome position (GRCh38, 1-based): chr9:134,786,037, C>A. VCF-style: chr9-134786037-C-A. GRCh37 (hg19) VCF-style: chr9-137677883-C-A.
Other names: c.2635C>A, p.Gln879Lys (NM_001278074.1); c.2635C>A (NM_000093.4, NM_000093.3); short protein forms Q879K.
Identifiers: ClinVar variation 439529 (VCV000439529.14), dbSNP rs758475317, ClinGen allele CA5319482.